The following is an entry in ClinVar:

NM_018896.5(CACNA1G):c.826G>A (p.Glu276Lys)

Gene: CACNA1G (calcium voltage-gated channel subunit alpha1 G; plus strand). Cytogenetic location: 17q21.33.
Variant type: single nucleotide variant.
Coding change: c.826G>A on transcript NM_018896.5 (MANE Select); coding-DNA position 826, G replaced by A.
Protein change: p.Glu276Lys; replaces glutamic acid 276 with lysine.
Molecular consequence: missense variant. On other transcripts: non-coding transcript variant (5).
Genome position (GRCh38, 1-based): chr17:50,572,633, G>A. VCF-style: chr17-50572633-G-A. GRCh37 (hg19) VCF-style: chr17-48649994-G-A.
Other names: c.826G>A, p.Glu276Lys (NM_001256324.2, NM_001256325.2, NM_001256326.2 and 24 more transcripts); short protein forms E276K.
Identifiers: ClinVar variation 4993695 (VCV004993695.1).

ClinVar aggregate classification (germline): Uncertain significance (1 of 4 stars; one submission).

Conditions:
CACNA1G-related disorder. Also called: CACNA1G-related disorders; CACNA1G-related condition.

Submission:

PreventionGenetics, part of Exact Sciences
Classification: Uncertain significance for CACNA1G-related condition. Last evaluated: 2025-12-23. Review status: criteria provided, single submitter. Criteria: ACMG Guidelines, 2015. Collection method: clinical testing. Allele origin: germline.
Comment: The CACNA1G c.826G>A variant is predicted to result in the amino acid substitution p.Glu276Lys. To our knowledge, this variant has not been reported in the literature or in a large population database (gnomAD), indicating this variant is rare. At this time, the clinical significance of this variant is uncertain due to the absence of conclusive functional and genetic evidence.